The following is an entry in ClinVar:

ClinVar aggregate classification (germline): Uncertain significance (1 of 4 stars; one submission).

Submission:

Petrovsky National Research Centre of Surgery, The Federal Agency for Scientific Organizations
Classification: Uncertain significance. Last evaluated: 2020-11-30. Review status: criteria provided, single submitter. Criteria: ACMG Guidelines, 2015. Collection method: clinical testing. Allele origin: unknown. Affected: yes.
Comment: To our knowledge, this variant is not present in large cohort studies (PM2 criteria). Online in silico tools predict the c.5754_5756delCAA to be pathogenic (PP3 criteria). This variant was previously described in HGMD database (HGMD CM111308) as mutation (PP5 criteria). Despite the fact that the c.5754_5756delCAA variant leads to the deletion of asparagine, there is a repeated "CAACAA" sequence at this region, so the use of PM4 criteria is somewhat debatable. Overall, we could classify the c.5754_5756delCAA as a variant of uncertain clinical significance.

NM_000257.4(MYH7):c.5751CAA[1] (p.Asn1918del)

Gene: MYH7 (myosin heavy chain 7; minus strand). Cytogenetic location: 14q11.2.
Variant type: Microsatellite.
Coding change: c.5751CAA[1] on transcript NM_000257.4 (MANE Select); one copy of the 3-base unit CAA starting at c.5751; the reference has two copies in a row; one copy, 3 bases deleted.
Protein change: p.Asn1918del; deletes asparagine 1918.
Molecular consequence: inframe deletion.
Genome position (GRCh38, 1-based): chr14:23,413,793-23,413,795, TTG deleted on the plus strand (CAA on the coding strand, the reverse complement: MYH7 is on the minus strand); deleting any 3 consecutive bases within chr14:23,413,793-23,413,798 gives the same sequence; the position shown is the placement nearest the transcript's 3' end. VCF-style (leftmost placement, unchanged base first): chr14-23413792-CTTG-C. GRCh37 (hg19) VCF-style: chr14-23883001-CTTG-C.
Other names: c.5754_5756delCAA (NM_000257.4); short protein forms N1918del.
Identifiers: ClinVar variation 987744 (VCV000987744.2), dbSNP rs1892067860, ClinGen allele CA2123458139.